The following is an entry in ClinVar:

NM_005585.5(SMAD6):c.1383dup (p.Asn462fs)

Gene: SMAD6 (SMAD family member 6; plus strand). Cytogenetic location: 15q22.31.
Variant type: Duplication.
Coding change: c.1383dup on transcript NM_005585.5 (MANE Select); coding-DNA position 1383, one base duplicated (C; older notation c.1383dupC).
Protein change: p.Asn462fs; shifts the reading frame from asparagine 462.
Molecular consequence: frameshift variant. On other transcripts: non-coding transcript variant (1).
Genome position (GRCh38, 1-based): chr15:66,781,427, C duplicated; the last of 4 consecutive C bases (chr15:66,781,424-66,781,427); duplicating any one gives the same sequence. VCF-style (leftmost placement, unchanged base first): chr15-66781423-A-AC. GRCh37 (hg19) VCF-style: chr15-67073761-A-AC.
Other names: short protein forms N462fs.
Identifiers: ClinVar variation 2871382 (VCV002871382.3), dbSNP rs2541899568, ClinGen allele CA2629105822.

ClinVar aggregate classification (germline): Uncertain significance (1 of 4 stars; one submission).

Conditions:
Aortic valve disease 2 (AOVD2). Identifiers: MedGen C3542024, MONDO:0013902, OMIM 614823.

Submission:

Labcorp Genetics (formerly Invitae), Labcorp
Classification: Uncertain significance for Aortic valve disease 2. Last evaluated: 2023-09-23. Review status: criteria provided, single submitter. Criteria: Invitae Variant Classification Sherloc (09022015). Collection method: clinical testing. Allele origin: germline.
Comment: In summary, the available evidence is currently insufficient to determine the role of this variant in disease. Therefore, it has been classified as a Variant of Uncertain Significance. Experimental studies and prediction algorithms are not available or were not evaluated, and the functional significance of this variant is currently unknown. This variant has not been reported in the literature in individuals affected with SMAD6-related conditions. This variant is not present in population databases (gnomAD no frequency). This sequence change results in a frameshift in the SMAD6 gene (p.Asn462Glnfs*103). While this is not anticipated to result in nonsense mediated decay, it is expected to disrupt the last 35 amino acid(s) of the SMAD6 protein and extend the protein by 67 additional amino acid residues.